The following is an entry in ClinVar:

ClinVar aggregate classification (germline): not provided. Review status: no classification provided (0 of 4 stars). 2 submissions from 1 submitter: not provided (2).

Conditions:
Gestational diabetes mellitus uncontrolled. Identifiers: MedGen C3532257.
Small for gestational age. Also called: Low birth weight. Identifiers: MedGen C0235991, HP:0001518.

Submissions (2):

Institute of Molecular and Cell Biology, University of Tartu
No classification provided. Condition: Small for gestational age. Review status: no classification provided. Collection method: case-control. Allele origin: unknown. Affected: yes. Study: Kasak2014.
Comment: The study aimed to determine the contribution of copy number variants in the genetic etiology of normal and complicated pregnancies. The samples represented (i) maternal blood DNA drawn from healthy pregnant women during 1st or 2nd trimester and (ii) maternal and paternal blood DNA drawn at term pregnancy cases representing normal and complicated gestations (severe preeclampsia, PE; gestational diabetes, GD; small-for-gestational age newborn, SGA; large-for-gestational age newborn, LGA). We performed CNV calling based on genome-wide genotyping dataset (Illumina HumanOmniExpress-24-v1 BeadChip) by applying three algorithms, QuantiSNP, GADA (Genome Alteration Detection Algorithm) and CNstream in parallel. The acquired CNV calls were merged with HD-CNV (Hotspot Detector for Copy Number Variants) program and only the CNVs predicted by at least two programs, were considered in subsequent analysis.

Institute of Molecular and Cell Biology, University of Tartu
No classification provided. Condition: Gestational diabetes mellitus uncontrolled. Review status: no classification provided. Collection method: case-control. Allele origin: unknown. Affected: yes. Study: Kasak2014.
Comment: the same text as in the submission from Institute of Molecular and Cell Biology, University of Tartu above.

Literature cited by the submitters: PubMed 25666259.

NC_000002.12:g.240619519_240637209dup

Genes: GPR35 (G protein-coupled receptor 35; plus strand), LOC122889014 (Sharpr-MPRA regulatory region 3769; plus strand), LOC129935986 (ATAC-STARR-seq lymphoblastoid active region 17407; plus strand), LOC129935987 (ATAC-STARR-seq lymphoblastoid active region 17408; plus strand), LOC129935988 (ATAC-STARR-seq lymphoblastoid active region 17409; plus strand). Cytogenetic location: 2q37.3.
Variant type: Duplication.
Identifiers: ClinVar variation 156826 (VCV000156826.2).